The following is an entry in ClinVar:

ClinVar aggregate classification (germline): Uncertain significance (1 of 4 stars; one submission).

Conditions:
Familial encephalopathy with neuroserpin inclusion bodies. Also called: ENCEPHALOPATHY, FAMILIAL, WITH COLLINS BODIES. Identifiers: Orphanet 85110, MedGen C1858680, MONDO:0011412, OMIM 604218.

Submission:

Labcorp Genetics (formerly Invitae), Labcorp
Classification: Uncertain significance for Familial encephalopathy with neuroserpin inclusion bodies. Last evaluated: 2024-02-26. Review status: criteria provided, single submitter. Criteria: Invitae Variant Classification Sherloc (09022015). Collection method: clinical testing. Allele origin: germline.
Comment: This sequence change replaces leucine, which is neutral and non-polar, with arginine, which is basic and polar, at codon 325 of the SERPINI1 protein (p.Leu325Arg). This variant is not present in population databases (gnomAD no frequency). This variant has not been reported in the literature in individuals affected with SERPINI1-related conditions. ClinVar contains an entry for this variant (Variation ID: 2022293). Advanced modeling of protein sequence and biophysical properties (such as structural, functional, and spatial information, amino acid conservation, physicochemical variation, residue mobility, and thermodynamic stability) performed at Invitae indicates that this missense variant is not expected to disrupt SERPINI1 protein function with a negative predictive value of 80%. In summary, the available evidence is currently insufficient to determine the role of this variant in disease. Therefore, it has been classified as a Variant of Uncertain Significance.

NM_001122752.2(SERPINI1):c.974T>G (p.Leu325Arg)

Gene: SERPINI1 (serpin family I member 1; plus strand). Cytogenetic location: 3q26.1.
Variant type: single nucleotide variant.
Coding change: c.974T>G on transcript NM_001122752.2 (MANE Select); coding-DNA position 974, T replaced by G.
Protein change: p.Leu325Arg; replaces leucine 325 with arginine.
Molecular consequence: missense variant.
Genome position (GRCh38, 1-based): chr3:167,807,336, T>G. VCF-style: chr3-167807336-T-G. GRCh37 (hg19) VCF-style: chr3-167525124-T-G.
Other names: c.974T>G, p.Leu325Arg (NM_005025.5); short protein forms L325R.
Identifiers: ClinVar variation 2022293 (VCV002022293.4), dbSNP rs2473305402, ClinGen allele CA355157567.